The following is an entry in ClinVar:

NM_015137.6(EFR3A):c.654T>G (p.Pro218=)

Gene: EFR3A (EFR3 homolog A; plus strand). Cytogenetic location: 8q24.22.
Variant type: single nucleotide variant.
Coding change: c.654T>G on transcript NM_015137.6 (MANE Select); coding-DNA position 654, T replaced by G.
Protein change: p.Pro218=; no amino-acid change (proline 218 retained).
Molecular consequence: synonymous variant. On other transcripts: non-coding transcript variant (2).
Genome position (GRCh38, 1-based): chr8:131,955,783, T>G. VCF-style: chr8-131955783-T-G. GRCh37 (hg19) VCF-style: chr8-132968030-T-G.
Other names: c.546T>G, p.Pro182= (NM_001323553.2, NM_001323554.2, NM_001323555.2 and 2 more transcripts); c.654T>G, p.Pro218= (NM_001323558.2).
Identifiers: ClinVar variation 3042269 (VCV003042269.2), dbSNP rs760926576, ClinGen allele CA463004400.
Genomic context (GRCh38, chr8:131,955,783, plus strand): 5'-ATATTAAAATTCTTGTGTTTTTCTTTATTTCTCGTTCCTTTTTAGTCGCATAGGCCCTCC[T>G]TCTTCTCCTTCTGCAACTGACAAAGAAGAGAATCCTGCTGTGCTGGCTGAAAACTGTTTC-3'
Protein context (NP_055952.2, residues 208-228): IEEVDSRIGP[Pro218=]SSPSATDKEE

ClinVar aggregate classification (germline): Likely benign (0 of 4 stars; one submission).

Conditions:
EFR3A-related disorder. Also called: EFR3A-related condition.

Allele frequency attached by ClinVar (database versions not stated): gnomAD 0.00001; TOPMed 0.00001.
gnomAD v4.1: 6 of 1,612,750 alleles (0.00037%); highest among the groups gnomAD compares: East Asian, 0.0067%; no homozygotes.

Submission:

PreventionGenetics, part of Exact Sciences
Classification: Likely benign for EFR3A-related condition. Last evaluated: 2019-05-14. Review status: no assertion criteria provided. Collection method: clinical testing. Allele origin: germline.
Comment: This variant is classified as likely benign based on ACMG/AMP sequence variant interpretation guidelines (Richards et al. 2015 PMID: 25741868, with internal and published modifications).